The following is an entry in ClinVar:

NM_005097.4(LGI1):c.575A>G (p.Asn192Ser)

Gene: LGI1 (leucine rich glioma inactivated 1; plus strand). Cytogenetic location: 10q23.33.
Variant type: single nucleotide variant.
Coding change: c.575A>G on transcript NM_005097.4 (MANE Select); coding-DNA position 575, A replaced by G.
Protein change: p.Asn192Ser; replaces asparagine 192 with serine.
Molecular consequence: missense variant. On other transcripts: non-coding transcript variant (1).
Genome position (GRCh38, 1-based): chr10:93,792,814, A>G. VCF-style: chr10-93792814-A-G. GRCh37 (hg19) VCF-style: chr10-95552571-A-G.
Other names: c.575A>G, p.Asn192Ser (NM_001308275.2); c.431A>G, p.Asn144Ser (NM_001308276.2); short protein forms N144S, N192S.
Identifiers: ClinVar variation 4282189 (VCV004282189.2).

ClinVar aggregate classification (germline): Uncertain significance. Review status: criteria provided, multiple submitters, no conflicts (2 of 4 stars). 2 submissions from 2 submitters: Uncertain significance (2). Last evaluated 2026-08-27.

Conditions:
Inborn genetic diseases. Identifiers: MedGen C0950123, MeSH D030342.

gnomAD v4.1: 1 of 1,614,148 alleles (0.000062%); highest among the groups gnomAD compares: African/African-American, 0.0013%; no homozygotes.

Submissions (2):

Ambry Genetics
Classification: Uncertain significance for Inborn genetic diseases. Last evaluated: 2026-08-27. Review status: criteria provided, single submitter. Criteria: Ambry Variant Classification Scheme 2023. Collection method: clinical testing. Allele origin: germline.

GeneDx
Classification: Uncertain significance. Last evaluated: 2025-04-17. Review status: criteria provided, single submitter. Criteria: GeneDx Variant Classification Process June 2021. Collection method: clinical testing. Allele origin: germline. Affected: yes.
Comment: Not observed at significant frequency in large population cohorts (gnomAD); In silico analysis supports that this missense variant has a deleterious effect on protein structure/function; Has not been previously published as pathogenic or benign to our knowledge